The following is an entry in ClinVar:

NM_001384125.1(BLTP1):c.10515T>C (p.Asp3505=)

Gene: BLTP1 (bridge-like lipid transfer protein family member 1; plus strand). Cytogenetic location: 4q27.
Variant type: single nucleotide variant.
Coding change: c.10515T>C on transcript NM_001384125.1 (MANE Select); coding-DNA position 10515, T replaced by C.
Protein change: p.Asp3505=; no amino-acid change (aspartic acid 3505 retained).
Molecular consequence: synonymous variant.
Genome position (GRCh38, 1-based): chr4:122,315,664, T>C. VCF-style: chr4-122315664-T-C. GRCh37 (hg19) VCF-style: chr4-123236819-T-C.
Other names: c.10515T>C, p.Asp3505= (NM_015312.4).
Identifiers: ClinVar variation 3067309 (VCV003067309.21), dbSNP rs2481931455, ClinGen allele CA440924749.

ClinVar aggregate classification (germline): Likely benign (1 of 4 stars; one submission).

Allele frequency attached by ClinVar (database versions not stated): gnomAD exomes 0.00001.
gnomAD v4.1: 3 of 1,614,090 alleles (0.00019%); highest among the groups gnomAD compares: Non-Finnish European, 0.00025%; no homozygotes.

Submission:

CeGaT Center for Human Genetics Tuebingen
Classification: Likely benign. Last evaluated: 2024-03-01. Review status: criteria provided, single submitter. Criteria: CeGaT Center For Human Genetics Tuebingen Variant Classification Criteria Version 2. Collection method: clinical testing. Allele origin: germline. Affected: yes. Observed: 1 variant allele.
Comment: BLTP1: PM2:Supporting, BP4, BP7